The following is an entry in ClinVar:

NM_152564.5(VPS13B):c.9921C>T (p.Asp3307=)

Gene: VPS13B (vacuolar protein sorting 13 homolog B; plus strand). Cytogenetic location: 8q22.2.
Variant type: single nucleotide variant.
Coding change: c.9921C>T on transcript NM_152564.5 (MANE Select); coding-DNA position 9921, C replaced by T.
Protein change: p.Asp3307=; no amino-acid change (aspartic acid 3307 retained).
Molecular consequence: synonymous variant.
Genome position (GRCh38, 1-based): chr8:99,835,717, C>T. VCF-style: chr8-99835717-C-T. GRCh37 (hg19) VCF-style: chr8-100847945-C-T.
Other names: c.9921C>T (NM_152564.4); c.9996C>T, p.Asp3332= (NM_017890.5).
Identifiers: ClinVar variation 588499 (VCV000588499.16), dbSNP rs754001219, ClinGen allele CA4824821.
Genomic context (GRCh38, chr8:99,835,717, plus strand): 5'-CCTACTTTTGAGAGTTGAACCTCTAGATGAAGTAACAACTGAGTGGAGTGATGCCATTGA[C>T]ATCAACAGTCAGGGAACACAGGTCAGTGAGCCATGTGTTCCTGCCAAGACCCAAAGAAAA-3'
Protein context (NP_689777.3, residues 3297-3317): EVTTEWSDAI[Asp3307=]INSQGTQVVF

ClinVar aggregate classification (germline): Likely benign. Review status: criteria provided, multiple submitters, no conflicts (2 of 4 stars). 3 submissions from 3 submitters: Likely benign (2). 1 of the submissions does not count toward it. Last evaluated 2025-12-23.

Conditions:
Cohen syndrome (COH1). Also called: PEPPER SYNDROME; Cutis verticis gyrata, retinitis pigmentosa, and sensorineural deafness. Identifiers: Orphanet 193, MedGen C0265223, MONDO:0008999, OMIM 216550.
VPS13B-related disorder. Also called: VPS13B-related condition.
Inborn genetic diseases. Identifiers: MedGen C0950123, MeSH D030342.

Allele frequency attached by ClinVar (database versions not stated): gnomAD exomes 0.00002 and 0.00004; TOPMed 0.00003; ExAC 0.00005.
gnomAD v4.1: 14 of 1,614,114 alleles (0.00087%); highest among the groups gnomAD compares: Admixed American, 0.015%; no homozygotes.

Submissions (3):

Labcorp Genetics (formerly Invitae), Labcorp
Classification: Likely benign for Cohen syndrome. Last evaluated: 2025-12-23. Review status: criteria provided, single submitter. Criteria: Invitae Variant Classification Sherloc (09022015). Collection method: clinical testing. Allele origin: germline.

Ambry Genetics
Classification: Likely benign for Inborn genetic diseases. Last evaluated: 2016-11-29. Review status: criteria provided, single submitter. Criteria: Ambry Variant Classification Scheme 2023. Collection method: clinical testing. Allele origin: germline.

PreventionGenetics, part of Exact Sciences
Classification: Likely benign for VPS13B-related condition. Last evaluated: 2022-01-17. Review status: no assertion criteria provided. Collection method: clinical testing. Allele origin: germline. Not counted in ClinVar's aggregate classification.
Comment: This variant is classified as likely benign based on ACMG/AMP sequence variant interpretation guidelines (Richards et al. 2015 PMID: 25741868, with internal and published modifications).